The following is an entry in ClinVar:

NM_000350.3(ABCA4):c.3329-3C>A

Gene: ABCA4 (ATP binding cassette subfamily A member 4; minus strand). Cytogenetic location: 1p22.1.
Variant type: single nucleotide variant.
Coding change: c.3329-3C>A on transcript NM_000350.3 (MANE Select); 3 bases into the intron before coding-DNA position 3329, C replaced by A.
Molecular consequence: intron variant.
Genome position (GRCh38, 1-based): chr1:94,041,405, G>T on the plus strand (C>A on the coding strand, the complement: ABCA4 is on the minus strand). VCF-style: chr1-94041405-G-T. GRCh37 (hg19) VCF-style: chr1-94506961-G-T.
Identifiers: ClinVar variation 1448268 (VCV001448268.6), dbSNP rs2101048782, ClinGen allele CA2573132696.
Genomic context (GRCh38, chr1:94,041,405, plus strand): 5'-CGGTCCCCAAGGAGGTCGGCCTCGTCCATGTGGTGAGTGGACATGATGATGGTTCTGCCT[G>T]CAAGGTAGGGGCCAGGGCAATCACCAGGCCTGCCCTGGGTTGGGCATTGTTGGTAAAGGG-3'

ClinVar aggregate classification (germline): Uncertain significance (1 of 4 stars; one submission).

Submission:

Labcorp Genetics (formerly Invitae), Labcorp
Classification: Uncertain significance. Last evaluated: 2022-08-09. Review status: criteria provided, single submitter. Criteria: Invitae Variant Classification Sherloc (09022015). Collection method: clinical testing. Allele origin: germline.
Comment: This variant has been observed in individual(s) with Stargardt disease (Invitae). In summary, the available evidence is currently insufficient to determine the role of this variant in disease. Therefore, it has been classified as a Variant of Uncertain Significance. Variants that disrupt the consensus splice site are a relatively common cause of aberrant splicing (PMID: 17576681, 9536098). Algorithms developed to predict the effect of sequence changes on RNA splicing suggest that this variant may disrupt the consensus splice site. ClinVar contains an entry for this variant (Variation ID: 1448268). This variant is not present in population databases (gnomAD no frequency). This sequence change falls in intron 22 of the ABCA4 gene. It does not directly change the encoded amino acid sequence of the ABCA4 protein. It affects a nucleotide within the consensus splice site.

Literature cited by the submitters: PubMed 17576681; PubMed 9536098.